The following is an entry in ClinVar:

ClinVar aggregate classification (germline): Conflicting classifications of pathogenicity. Review status: criteria provided, conflicting classifications (1 of 4 stars). 4 submissions from 4 submitters: Uncertain significance (3); Likely benign (1). Last evaluated 2026-08-30.

Conditions:
KCNV2-related disorder. Also called: KCNV2-related condition.
Inborn genetic diseases. Identifiers: MedGen C0950123, MeSH D030342.

Allele frequency attached by ClinVar (database versions not stated): gnomAD 0.00001 and 0.00007; gnomAD exomes 0.00016; ExAC 0.00018; 1000 Genomes Project 0.00040; 1000 Genomes Project 30x 0.00047.
gnomAD v4.1: 113 of 1,609,404 alleles (0.007%); highest among the groups gnomAD compares: South Asian, 0.12%; 1 homozygote.

Submissions (4):

PreventionGenetics, part of Exact Sciences
Classification: Uncertain significance for KCNV2-related condition. Last evaluated: 2026-08-30. Review status: criteria provided, single submitter. Criteria: ACMG Guidelines, 2015. Collection method: clinical testing. Allele origin: germline.
Comment: The KCNV2 c.1109G>A variant is predicted to result in the amino acid substitution p.Gly370Asp. To our knowledge, this variant has not been reported in the literature. This variant is reported in 0.13% of alleles in individuals of South Asian descent in gnomAD, which may be too frequent to be a primary cause of disease. Although we suspect that this variant may be benign, at this time, the clinical significance of this variant is uncertain due to the absence of conclusive functional and genetic evidence.

Blueprint Genetics
Classification: Uncertain significance. Last evaluated: 2024-08-19. Review status: criteria provided, single submitter. Criteria: ACMG Guidelines, 2015. Collection method: clinical testing. Allele origin: germline.

Labcorp Genetics (formerly Invitae), Labcorp
Classification: Likely benign. Last evaluated: 2024-03-13. Review status: criteria provided, single submitter. Criteria: Invitae Variant Classification Sherloc (09022015). Collection method: clinical testing. Allele origin: germline.

Ambry Genetics
Classification: Uncertain significance for Inborn genetic diseases. Last evaluated: 2022-08-31. Review status: criteria provided, single submitter. Criteria: Ambry Variant Classification Scheme 2023. Collection method: clinical testing. Allele origin: germline.

NM_133497.4(KCNV2):c.1109G>A (p.Gly370Asp)

Gene: KCNV2 (potassium voltage-gated channel modifier subfamily V member 2; plus strand). Cytogenetic location: 9p24.2.
Variant type: single nucleotide variant.
Coding change: c.1109G>A on transcript NM_133497.4 (MANE Select); coding-DNA position 1109, G replaced by A.
Protein change: p.Gly370Asp; replaces glycine 370 with aspartic acid.
Molecular consequence: missense variant.
Genome position (GRCh38, 1-based): chr9:2,718,848, G>A. VCF-style: chr9-2718848-G-A. GRCh37 (hg19) VCF-style: chr9-2718848-G-A.
Other names: c.1109G>A (NM_133497.3); short protein forms G370D.
Identifiers: ClinVar variation 1416993 (VCV001416993.11), dbSNP rs534563578, ClinGen allele CA4965766.